The following is an entry in ClinVar:

NM_006059.4(LAMC3):c.3271C>T (p.Arg1091Trp)

Gene: LAMC3 (laminin subunit gamma 3; plus strand). Cytogenetic location: 9q34.12.
Variant type: single nucleotide variant.
Coding change: c.3271C>T on transcript NM_006059.4 (MANE Select); coding-DNA position 3271, C replaced by T.
Protein change: p.Arg1091Trp; replaces arginine 1091 with tryptophan.
Molecular consequence: missense variant.
Genome position (GRCh38, 1-based): chr9:131,072,689, C>T. VCF-style: chr9-131072689-C-T. GRCh37 (hg19) VCF-style: chr9-133948076-C-T.
Other names: short protein forms R1091W.
Identifiers: ClinVar variation 1482961 (VCV001482961.3), dbSNP rs751056713, ClinGen allele CA5287740.
Genomic context (GRCh38, chr9:131,072,689, plus strand): 5'-GGGGCTCGGGAAGCCTTCCTGGAGCAGATGATGAGCCTCGAGGGTGCTGTCAAGGCCGCC[C>T]GGGAGCAGCTGCAGAGGCTGAACAAGGGTGCCCGCTGTGCCCAGGCCGGATCCCAGAAGA-3'
Protein context (NP_006050.3, residues 1081-1101): MSLEGAVKAA[Arg1091Trp]EQLQRLNKGA

ClinVar aggregate classification (germline): Uncertain significance (1 of 4 stars; one submission).

Allele frequency attached by ClinVar (database versions not stated): gnomAD exomes below 0.00001 and 0.00001; gnomAD 0.00002 and 0.00003; TOPMed 0.00002.
gnomAD v4.1: 9 of 1,611,750 alleles (0.00056%); highest among the groups gnomAD compares: African/African-American, 0.0013%; no homozygotes.

Submission:

Labcorp Genetics (formerly Invitae), Labcorp
Classification: Uncertain significance. Last evaluated: 2022-07-02. Review status: criteria provided, single submitter. Criteria: Invitae Variant Classification Sherloc (09022015). Collection method: clinical testing. Allele origin: germline.
Comment: This sequence change replaces arginine, which is basic and polar, with tryptophan, which is neutral and slightly polar, at codon 1091 of the LAMC3 protein (p.Arg1091Trp). The frequency data for this variant in the population databases is considered unreliable, as metrics indicate poor data quality at this position in the gnomAD database. This variant has not been reported in the literature in individuals affected with LAMC3-related conditions. ClinVar contains an entry for this variant (Variation ID: 1482961). Algorithms developed to predict the effect of missense changes on protein structure and function output the following: SIFT: "Tolerated"; PolyPhen-2: "Benign"; Align-GVGD: "Class C0". The tryptophan amino acid residue is found in multiple mammalian species, which suggests that this missense change does not adversely affect protein function. In summary, the available evidence is currently insufficient to determine the role of this variant in disease. Therefore, it has been classified as a Variant of Uncertain Significance.